The following is an entry in ClinVar:

NM_004519.4(KCNQ3):c.1646A>C (p.Gln549Pro)

Gene: KCNQ3 (potassium voltage-gated channel subfamily Q member 3; minus strand). Cytogenetic location: 8q24.22.
Variant type: single nucleotide variant.
Coding change: c.1646A>C on transcript NM_004519.4 (MANE Select); coding-DNA position 1646, A replaced by C.
Protein change: p.Gln549Pro; replaces glutamine 549 with proline.
Molecular consequence: missense variant.
Genome position (GRCh38, 1-based): chr8:132,137,939, T>G on the plus strand (A>C on the coding strand, the complement: KCNQ3 is on the minus strand). VCF-style: chr8-132137939-T-G. GRCh37 (hg19) VCF-style: chr8-133150186-T-G.
Other names: c.1286A>C, p.Gln429Pro (NM_001204824.2); short protein forms Q429P, Q549P.
Identifiers: ClinVar variation 2704080 (VCV002704080.3), dbSNP rs2536875288, ClinGen allele CA372219030.

ClinVar aggregate classification (germline): Uncertain significance (1 of 4 stars; one submission).

Conditions:
Benign neonatal seizures. Also called: Benign familial neonatal epilepsy; Benign familial neonatal seizures; Convulsions benign familial neonatal dominant form; Autosomal dominant form of benign neonatal seizures; Benign neonatal familial convulsions. Identifiers: Orphanet 1949, MedGen C0220669, MONDO:0016027.

Submission:

Labcorp Genetics (formerly Invitae), Labcorp
Classification: Uncertain significance for Benign neonatal seizures. Last evaluated: 2023-12-19. Review status: criteria provided, single submitter. Criteria: Invitae Variant Classification Sherloc (09022015). Collection method: clinical testing. Allele origin: germline.
Comment: This sequence change replaces glutamine, which is neutral and polar, with proline, which is neutral and non-polar, at codon 549 of the KCNQ3 protein (p.Gln549Pro). This variant is not present in population databases (gnomAD no frequency). This variant has not been reported in the literature in individuals affected with KCNQ3-related conditions. Advanced modeling of protein sequence and biophysical properties (such as structural, functional, and spatial information, amino acid conservation, physicochemical variation, residue mobility, and thermodynamic stability) performed at Invitae indicates that this missense variant is expected to disrupt KCNQ3 protein function with a positive predictive value of 80%. In summary, the available evidence is currently insufficient to determine the role of this variant in disease. Therefore, it has been classified as a Variant of Uncertain Significance.